The following is an entry in ClinVar:

NM_031229.4(RBCK1):c.582+1G>C

Gene: RBCK1 (RANBP2-type and C3HC4-type zinc finger containing 1; plus strand). Cytogenetic location: 20p13.
Variant type: single nucleotide variant.
Coding change: c.582+1G>C on transcript NM_031229.4 (MANE Select); the canonical splice donor site of the intron after coding-DNA position 582, G replaced by C.
Molecular consequence: splice donor variant.
Genome position (GRCh38, 1-based): chr20:419,469, G>C. VCF-style: chr20-419469-G-C. GRCh37 (hg19) VCF-style: chr20-400113-G-C.
Other names: c.633+1G>C (NM_001410770.1); c.233+1G>C (NM_001323956.2, NM_001323958.2); c.456+1G>C (NM_006462.6).
Identifiers: ClinVar variation 658931 (VCV000658931.9), dbSNP rs1017046170, ClinGen allele CA407923732.

ClinVar aggregate classification (germline): Pathogenic (1 of 4 stars; one submission).

Conditions:
Polyglucosan body myopathy type 1 (PGBM1). Also called: Polyglucosan body myopathy 1 with or without immunodeficiency; POLYGLUCOSAN BODY MYOPATHY WITHOUT IMMUNODEFICIENCY. Identifiers: Orphanet 329173, Orphanet 397937, MedGen C4014605, MONDO:0014389, OMIM 615895.

Submission:

Labcorp Genetics (formerly Invitae), Labcorp
Classification: Pathogenic for Polyglucosan body myopathy type 1. Last evaluated: 2018-12-15. Review status: criteria provided, single submitter. Criteria: Invitae Variant Classification Sherloc (09022015). Collection method: clinical testing. Allele origin: germline.
Comment: Donor and acceptor splice site variants typically lead to a loss of protein function (PMID: 16199547), and loss-of-function variants in RBCK1 are known to be pathogenic (PMID: 2379848, 23104095, 23889995). This sequence change affects a donor splice site in intron 5 of the RBCK1 gene. It is expected to disrupt RNA splicing and likely results in an absent or disrupted protein product. This variant is not present in population databases (ExAC no frequency). This variant has been observed to segregate with clinical features of polyglucosan body myopathy in individuals and a family (PMID: 23889995, Invitae). For these reasons, this variant has been classified as Pathogenic.

Literature cited by the submitters: PubMed 16199547; PubMed 2379848; PubMed 23104095; PubMed 23889995.